The following is an entry in ClinVar:

ClinVar aggregate classification (germline): Uncertain significance (1 of 4 stars; one submission).

gnomAD v4.1: 8 of 1,608,428 alleles (0.0005%); highest among the groups gnomAD compares: East Asian, 0.018%; no homozygotes.

Submission:

Ambry Genetics
Classification: Uncertain significance. Last evaluated: 2026-03-12. Review status: criteria provided, single submitter. Criteria: Ambry Variant Classification Scheme 2023. Collection method: clinical testing. Allele origin: germline.
Comment: The p.S254T variant (also known as c.761G>C), located in coding exon 5 of the ATRIP gene, results from a G to C substitution at nucleotide position 761. The serine at codon 254 is replaced by threonine, an amino acid with similar properties. This amino acid position is conserved. In addition, this alteration is predicted to be tolerated by in silico analysis. Based on the available evidence, the clinical significance of this variant remains unclear.

NM_130384.3(ATRIP):c.761G>C (p.Ser254Thr)

Genes: ATRIP (ATR interacting protein; plus strand), ATRIP-TREX1 (ATRIP-TREX1 readthrough; plus strand). Cytogenetic location: 3p21.31.
Variant type: single nucleotide variant.
Coding change: c.761G>C on transcript NM_130384.3 (MANE Select); coding-DNA position 761, G replaced by C.
Protein change: p.Ser254Thr; replaces serine 254 with threonine.
Molecular consequence: missense variant. On other transcripts: non-coding transcript variant (1).
Genome position (GRCh38, 1-based): chr3:48,457,348, G>C. VCF-style: chr3-48457348-G-C. GRCh37 (hg19) VCF-style: chr3-48498748-G-C.
Other names: c.380G>C, p.Ser127Thr (NM_001271022.2); c.482G>C, p.Ser161Thr (NM_001271023.2); c.761G>C, p.Ser254Thr (NM_032166.4); short protein forms S161T, S127T, S254T.
Identifiers: ClinVar variation 4826285 (VCV004826285.1).